The following is an entry in ClinVar:

ClinVar aggregate classification (germline): Uncertain significance (1 of 4 stars; one submission).

Allele frequency attached by ClinVar (database versions not stated): gnomAD exomes below 0.00001.
gnomAD v4.1: 1 of 1,569,190 alleles (0.000064%); highest among the groups gnomAD compares: Non-Finnish European, 0.000086%; no homozygotes.

Submission:

Labcorp Genetics (formerly Invitae), Labcorp
Classification: Uncertain significance. Last evaluated: 2023-12-25. Review status: criteria provided, single submitter. Criteria: Invitae Variant Classification Sherloc (09022015). Collection method: clinical testing. Allele origin: germline.
Comment: This sequence change replaces tyrosine, which is neutral and polar, with cysteine, which is neutral and slightly polar, at codon 984 of the BUB1 protein (p.Tyr984Cys). This variant is not present in population databases (gnomAD no frequency). This variant has not been reported in the literature in individuals affected with BUB1-related conditions. Experimental studies and prediction algorithms are not available or were not evaluated, and the functional significance of this variant is currently unknown. In summary, the available evidence is currently insufficient to determine the role of this variant in disease. Therefore, it has been classified as a Variant of Uncertain Significance.

NM_004336.5(BUB1):c.2951A>G (p.Tyr984Cys)

Gene: BUB1 (BUB1 mitotic checkpoint serine/threonine kinase; minus strand). Cytogenetic location: 2q13.
Variant type: single nucleotide variant.
Coding change: c.2951A>G on transcript NM_004336.5 (MANE Select); coding-DNA position 2951, A replaced by G.
Protein change: p.Tyr984Cys; replaces tyrosine 984 with cysteine.
Molecular consequence: missense variant.
Genome position (GRCh38, 1-based): chr2:110,641,038, T>C on the plus strand (A>G on the coding strand, the complement: BUB1 is on the minus strand). VCF-style: chr2-110641038-T-C. GRCh37 (hg19) VCF-style: chr2-111398615-T-C.
Other names: c.2891A>G, p.Tyr964Cys (NM_001278616.2); c.2780A>G, p.Tyr927Cys (NM_001278617.2); short protein forms Y927C, Y964C, Y984C.
Identifiers: ClinVar variation 2705440 (VCV002705440.3), dbSNP rs2467969977, ClinGen allele CA348088927.